The following is an entry in ClinVar:

NM_004086.3(COCH):c.1157T>C (p.Met386Thr)

Genes: COCH (cochlin; plus strand), COCH-AS1 (COCH antisense RNA 1; minus strand). Cytogenetic location: 14q12.
Variant type: single nucleotide variant.
Coding change: c.1157T>C on transcript NM_004086.3 (MANE Select); coding-DNA position 1157, T replaced by C.
Protein change: p.Met386Thr; replaces methionine 386 with threonine.
Molecular consequence: missense variant. On other transcripts: non-coding transcript variant (1).
Genome position (GRCh38, 1-based): chr14:30,885,992, T>C. VCF-style: chr14-30885992-T-C. GRCh37 (hg19) VCF-style: chr14-31355198-T-C.
Other names: c.1157T>C, p.Met386Thr (NM_001135058.2); c.1352T>C, p.Met451Thr (NM_001347720.2); short protein forms M386T, M451T.
Identifiers: ClinVar variation 1345911 (VCV001345911.8), dbSNP rs2138877416, ClinGen allele CA389348404.

ClinVar aggregate classification (germline): Uncertain significance (1 of 4 stars; one submission).

Allele frequency attached by ClinVar (database versions not stated): gnomAD exomes below 0.00001.
gnomAD v4.1: 1 of 1,614,240 alleles (0.000062%); highest among the groups gnomAD compares: Middle Eastern, 0.016%; no homozygotes.

Submission:

Labcorp Genetics (formerly Invitae), Labcorp
Classification: Uncertain significance. Last evaluated: 2021-04-16. Review status: criteria provided, single submitter. Criteria: Invitae Variant Classification Sherloc (09022015). Collection method: clinical testing. Allele origin: germline.
Comment: Algorithms developed to predict the effect of missense changes on protein structure and function are either unavailable or do not agree on the potential impact of this missense change (SIFT: "Deleterious"; PolyPhen-2: "Benign"; Align-GVGD: "Class C25"). This variant has not been reported in the literature in individuals with COCH-related conditions. This variant is not present in population databases (ExAC no frequency). This sequence change replaces methionine with threonine at codon 386 of the COCH protein (p.Met386Thr). The methionine residue is highly conserved and there is a moderate physicochemical difference between methionine and threonine. In summary, the available evidence is currently insufficient to determine the role of this variant in disease. Therefore, it has been classified as a Variant of Uncertain Significance.